The following is an entry in ClinVar:

NM_001142800.2(EYS):c.4577dup (p.Tyr1526Ter)

Gene: EYS (EGF-like photoreceptor maintenance factor; minus strand). Cytogenetic location: 6q12.
Variant type: Duplication.
Coding change: c.4577dup on transcript NM_001142800.2 (MANE Select); coding-DNA position 4577, one base duplicated (A; older notation c.4577dupA).
Protein change: p.Tyr1526Ter; replaces tyrosine 1526 with a stop codon.
Molecular consequence: nonsense.
Genome position (GRCh38, 1-based): chr6:64,591,290, T duplicated on the plus strand (A on the coding strand, the reverse complement: EYS is on the minus strand). VCF-style (leftmost placement, unchanged base first): chr6-64591289-A-AT. GRCh37 (hg19) VCF-style: chr6-65301182-A-AT.
Other names: c.4577dup, p.Tyr1526Ter (NM_001292009.2); short protein forms Y1526*.
Identifiers: ClinVar variation 3544487 (VCV003544487.1).
Genomic context (GRCh38, chr6:64,591,289, plus strand): 5'-AGCAGCCTGTGATTTGATGTTTGTGAGTCTCTGGTTGCTTGAAGCCTCAGTAATAGCCTG[A>AT]TATTCACTGGGATTGAAGGCTTTTGTACTGAACCGGTGCAGAGCTGATGAGTTTAAGATG-3'

ClinVar aggregate classification (germline): Likely pathogenic (1 of 4 stars; one submission).

Conditions:
Retinitis pigmentosa (RP). Identifiers: Orphanet 791, MedGen C0035334, MeSH D012174, MONDO:0019200, OMIM 268000. Inheritance: Autosomal dominant, autosomal recessive and X linked inheritance.

Submission:

Lab De Baere, Eye and Developmental Genetics Lab, Ghent University
Classification: Likely pathogenic for Retinitis pigmentosa. Last evaluated: 2024-10-01. Review status: criteria provided, single submitter. Criteria: ACMG Guidelines, 2015. Collection method: research. Allele origin: inherited. Affected: yes. Observed: 1 variant allele.
Comment: ACMG/AMP guidelines: PM2, PVS1, BS, PP1, PM3_2